The following is an entry in ClinVar:

ClinVar aggregate classification (germline): Pathogenic (1 of 4 stars; one submission).

Conditions:
Hyperammonemia, type III (NAGSD). Also called: Hyperammonemia due to N-acetylglutamate synthase deficiency. Identifiers: Orphanet 927, MedGen C0268543, MONDO:0009377, OMIM 237310.

Submission:

Labcorp Genetics (formerly Invitae), Labcorp
Classification: Pathogenic for Hyperammonemia, type III. Last evaluated: 2024-01-25. Review status: criteria provided, single submitter. Criteria: Invitae Variant Classification Sherloc (09022015). Collection method: clinical testing. Allele origin: germline.
Comment: This sequence change creates a premature translational stop signal (p.Ala115Profs*55) in the NAGS gene. It is expected to result in an absent or disrupted protein product. Loss-of-function variants in NAGS are known to be pathogenic (PMID: 12594532). This variant is not present in population databases (gnomAD no frequency). This variant has not been reported in the literature in individuals affected with NAGS-related conditions. For these reasons, this variant has been classified as Pathogenic.

Literature cited by the submitters: PubMed 12594532.

NM_153006.3(NAGS):c.343del (p.Ala115fs)

Gene: NAGS (N-acetylglutamate synthase; plus strand). Cytogenetic location: 17q21.31.
Variant type: Deletion.
Coding change: c.343del on transcript NM_153006.3 (MANE Select); coding-DNA position 343, one base deleted (G; older notation c.343delG).
Protein change: p.Ala115fs; shifts the reading frame from alanine 115.
Molecular consequence: frameshift variant.
Genome position (GRCh38, 1-based): chr17:44,005,006, G deleted; the last of 4 consecutive G bases (chr17:44,005,003-44,005,006); deleting any one gives the same sequence. VCF-style (leftmost placement, unchanged base first): chr17-44005002-CG-C. GRCh37 (hg19) VCF-style: chr17-42082370-CG-C.
Other names: short protein forms A115fs.
Identifiers: ClinVar variation 2711343 (VCV002711343.3), dbSNP rs2509277941, ClinGen allele CA2638145534.